The following is an entry in ClinVar:

NM_006258.4(PRKG1):c.61C>G (p.Arg21Gly)

Gene: PRKG1 (protein kinase cGMP-dependent 1; plus strand). Cytogenetic location: 10q11.23.
Variant type: single nucleotide variant.
Coding change: c.61C>G on transcript NM_006258.4 (MANE Select); coding-DNA position 61, C replaced by G.
Protein change: p.Arg21Gly; replaces arginine 21 with glycine.
Molecular consequence: missense variant. On other transcripts: intron variant (1).
Genome position (GRCh38, 1-based): chr10:51,074,651, C>G. VCF-style: chr10-51074651-C-G. GRCh37 (hg19) VCF-style: chr10-52834411-C-G.
Other names: c.61C>G, p.Arg21Gly (NM_001374782.1); c.267-78513C>G (NM_001098512.3); short protein forms R21G.
Identifiers: ClinVar variation 2101058 (VCV002101058.4), dbSNP rs746387596, ClinGen allele CA376826702.
Genomic context (GRCh38, chr10:51,074,651, plus strand): 5'-ATGGGCACCTTGCGGGATTTACAGTACGCGCTCCAGGAGAAGATCGAGGAGCTGAGGCAG[C>G]GGGATGCTCTCATCGACGAGCTGGAGCTGGAGTTGGATCAGAAGGACGAACTGATCCAGA-3'
Protein context (NP_006249.1, residues 11-31): LQEKIEELRQ[Arg21Gly]DALIDELELE

ClinVar aggregate classification (germline): Uncertain significance (1 of 4 stars; one submission).

Conditions:
Aortic aneurysm, familial thoracic 8 (AAT8). Identifiers: MedGen C3809513, MONDO:0014187, OMIM 615436.

gnomAD v4.1: 4 of 1,614,054 alleles (0.00025%); highest among the groups gnomAD compares: African/African-American, 0.0013%; no homozygotes.

Submission:

Labcorp Genetics (formerly Invitae), Labcorp
Classification: Uncertain significance for Aortic aneurysm, familial thoracic 8. Last evaluated: 2022-02-21. Review status: criteria provided, single submitter. Criteria: Invitae Variant Classification Sherloc (09022015). Collection method: clinical testing. Allele origin: germline.
Comment: This sequence change replaces arginine, which is basic and polar, with glycine, which is neutral and non-polar, at codon 21 of the PRKG1 protein (p.Arg21Gly). This variant is not present in population databases (gnomAD no frequency). This variant has not been reported in the literature in individuals affected with PRKG1-related conditions. Algorithms developed to predict the effect of missense changes on protein structure and function (SIFT, PolyPhen-2, Align-GVGD) all suggest that this variant is likely to be tolerated. In summary, the available evidence is currently insufficient to determine the role of this variant in disease. Therefore, it has been classified as a Variant of Uncertain Significance.